The following is an entry in ClinVar:

ClinVar aggregate classification (germline): Conflicting classifications of pathogenicity. Review status: criteria provided, conflicting classifications (1 of 4 stars). 3 submissions from 3 submitters: Likely pathogenic (1); Uncertain significance (1). 1 of the submissions does not count toward it. Last evaluated 2023-10-09.

Conditions:
Autosomal recessive limb-girdle muscular dystrophy type 2D (LGMDR3). Also called: MUSCULAR DYSTROPHY, LIMB-GIRDLE, AUTOSOMAL RECESSIVE 3; DUCHENNE-LIKE AUTOSOMAL RECESSIVE MUSCULAR DYSTROPHY, TYPE 2; ADHALINOPATHY, PRIMARY. Identifiers: Orphanet 62, MedGen C2936332, MONDO:0011968, OMIM 608099. Disease mechanism: Affects gamma-sarcoglycan and also disrupts the integrity of the entire sarcoglycan complex..

Submissions (3):

Women's Health and Genetics/Laboratory Corporation of America, LabCorp
Classification: Uncertain significance. Last evaluated: 2023-10-09. Review status: criteria provided, single submitter. Criteria: LabCorp Variant Classification Summary - May 2015. Collection method: clinical testing. Allele origin: germline.
Comment: Variant summary: SGCA c.279_284delCACCCC (p.Thr94_Pro95del) results in an in-frame deletion that is predicted to remove 2 amino acids from the encoded protein. The variant was absent in 248896 control chromosomes. c.279_284delCACCCC has been reported at a homozygous state in at-least one individual affected with Limb-Girdle Muscular Dystrophy, Autosomal Recessive (example, BorkluYucel_2020). These data indicate that the variant may be associated with disease. To our knowledge, no experimental evidence demonstrating an impact on protein function has been reported. The following publication have been ascertained in the context of this evaluation (PMID: 32140910). Two submitters have cited clinical-significance assessments for this variant to ClinVar after 2014. One submitter classified the variant as likely pathogenic, and one submitter classified the variant as uncertain significance. Based on the evidence outlined above, the variant was classified as VUS-possibly pathogenic.

Genetic Diseases Diagnostic Center, Koc University Hospital
Classification: Likely pathogenic for Autosomal recessive limb-girdle muscular dystrophy type 2D. Last evaluated: 2018-12-18. Review status: criteria provided, single submitter. Criteria: ACMG Guidelines, 2015. Collection method: clinical testing. Allele origin: germline. Inheritance: Autosomal recessive inheritance. Affected: yes.

Counsyl
Classification: Uncertain significance for Autosomal recessive limb-girdle muscular dystrophy type 2D. Last evaluated: 2017-08-25. Review status: no assertion criteria provided. Collection method: clinical testing. Allele origin: unknown. Not counted in ClinVar's aggregate classification.

Literature cited by the submitters: PubMed 32140910 (cited by Women's Health and Genetics/Laboratory Corporation of America, LabCorp).

NM_000023.4(SGCA):c.279_284del (p.Thr94_Pro95del)

Gene: SGCA (sarcoglycan alpha; plus strand). Cytogenetic location: 17q21.33.
Variant type: Deletion.
Coding change: c.279_284del on transcript NM_000023.4 (MANE Select); coding-DNA positions 279 to 284, 6 bases deleted (CACCCC; older notation c.279_284delCACCCC).
Protein change: p.Thr94_Pro95del.
Molecular consequence: inframe deletion. On other transcripts: non-coding transcript variant (1).
Genome position (GRCh38, 1-based): chr17:50,167,703-50,167,708, CACCCC deleted; deleting any 6 consecutive bases within chr17:50,167,702-50,167,708 gives the same sequence; the c. name uses the placement nearest the transcript's 3' end. VCF-style (leftmost placement, unchanged base first): chr17-50167701-GCCACCC-G. GRCh37 (hg19) VCF-style: chr17-48245062-GCCACCC-G.
Other names: c.278_283delCCACCC (NM_000023.4); c.279_284delCACCCC (NM_000023.4); c.279_284del, p.Thr94_Pro95del (NM_001135697.3).
Identifiers: ClinVar variation 553486 (VCV000553486.5), dbSNP rs1555568383, ClinGen allele CA658824848.